The following is an entry in ClinVar:

ClinVar aggregate classification (germline): Uncertain significance (1 of 4 stars; one submission).

Allele frequency attached by ClinVar (database versions not stated): gnomAD exomes 0.00001; ExAC 0.00002; gnomAD 0.00003; TOPMed 0.00006; ESP Exome Variant Server 0.00008.
gnomAD v4.1: 9 of 1,613,310 alleles (0.00056%); highest among the groups gnomAD compares: African/African-American, 0.012%; no homozygotes.

Submission:

Labcorp Genetics (formerly Invitae), Labcorp
Classification: Uncertain significance. Last evaluated: 2025-06-24. Review status: criteria provided, single submitter. Criteria: Invitae Variant Classification Sherloc (09022015). Collection method: clinical testing. Allele origin: germline.
Comment: This sequence change replaces cysteine, which is neutral and slightly polar, with serine, which is neutral and polar, at codon 377 of the FBXO11 protein (p.Cys377Ser). This variant is present in population databases (rs373020092, gnomAD 0.02%). This variant has not been reported in the literature in individuals affected with FBXO11-related conditions. ClinVar contains an entry for this variant (Variation ID: 1411458). An algorithm developed to predict the effect of missense changes on protein structure and function (PolyPhen-2) suggests that this variant is likely to be tolerated. In summary, the available evidence is currently insufficient to determine the role of this variant in disease. Therefore, it has been classified as a Variant of Uncertain Significance.

NM_001190274.2(FBXO11):c.1130G>C (p.Cys377Ser)

Gene: FBXO11 (F-box protein 11; minus strand). Cytogenetic location: 2p16.3.
Variant type: single nucleotide variant.
Coding change: c.1130G>C on transcript NM_001190274.2 (MANE Select); coding-DNA position 1130, G replaced by C.
Protein change: p.Cys377Ser; replaces cysteine 377 with serine.
Molecular consequence: missense variant.
Genome position (GRCh38, 1-based): chr2:47,832,792, C>G on the plus strand (G>C on the coding strand, the complement: FBXO11 is on the minus strand). VCF-style: chr2-47832792-C-G. GRCh37 (hg19) VCF-style: chr2-48059931-C-G.
Other names: c.878G>C, p.Cys293Ser (NM_001374325.1, NM_025133.4); short protein forms C293S, C377S.
Identifiers: ClinVar variation 1411458 (VCV001411458.6), dbSNP rs373020092, ClinGen allele CA1649936.